The following is an entry in ClinVar:

ClinVar aggregate classification (germline): Likely pathogenic (1 of 4 stars; one submission).

Conditions:
Bietti crystalline corneoretinal dystrophy (BCD). Also called: Bietti Crystalline Dystrophy; BIETTI TAPETORETINAL DEGENERATION WITH MARGINAL CORNEAL DYSTROPHY. Identifiers: Orphanet 41751, MedGen C1859486, MONDO:0008865, OMIM 210370.

Submission:

3billion
Classification: Likely pathogenic for Bietti crystalline corneoretinal dystrophy. Last evaluated: 2025-10-01. Review status: criteria provided, single submitter. Criteria: ACMG Guidelines, 2015. Collection method: clinical testing. Allele origin: germline. Affected: yes.
Comment: The variant is not observed in the gnomAD v4.1.0 dataset. Predicted Consequence/Location: Frameshift: predicted to result in a loss or disruption of normal protein function through nonsense-mediated decay (NMD) or protein truncation. Multiple pathogenic variants are reported downstream of the variant. Therefore, this variant is classified as Likely pathogenic according to the recommendation of ACMG/AMP guideline.

NM_207352.4(CYP4V2):c.320del (p.Asn107fs)

Gene: CYP4V2 (cytochrome P450 family 4 subfamily V member 2; plus strand). Cytogenetic location: 4q35.1.
Variant type: Deletion.
Coding change: c.320del on transcript NM_207352.4 (MANE Select); coding-DNA position 320, one base deleted (A; older notation c.320delA).
Protein change: p.Asn107fs; shifts the reading frame from asparagine 107.
Molecular consequence: frameshift variant.
Genome position (GRCh38, 1-based): chr4:186,194,605, A deleted; the last of 4 consecutive A bases (chr4:186,194,602-186,194,605); deleting any one gives the same sequence. VCF-style (leftmost placement, unchanged base first): chr4-186194601-GA-G. GRCh37 (hg19) VCF-style: chr4-187115755-GA-G.
Other names: short protein forms N107fs.
Identifiers: ClinVar variation 4854575 (VCV004854575.1).